The following is an entry in ClinVar:

ClinVar aggregate classification (germline): Uncertain significance. Review status: criteria provided, multiple submitters, no conflicts (2 of 4 stars). 5 submissions from 5 submitters: Uncertain significance (5). Last evaluated 2025-04-25.

Conditions:
Inborn genetic diseases. Identifiers: MedGen C0950123, MeSH D030342.
T-cell immunodeficiency, congenital alopecia, and nail dystrophy. Also called: Congenital alopecia and nail dystrophy associated with severe functional T-cell immunodeficiency; Pignata Guarino syndrome. Identifiers: Orphanet 169095, MedGen C1866426, MONDO:0011132, OMIM 601705.
T-cell lymphopenia, infantile, with or without nail dystrophy, autosomal dominant. Identifiers: Orphanet 676039, MedGen C5394133, MONDO:0032928, OMIM 618806.

Allele frequency attached by ClinVar (database versions not stated): gnomAD exomes 0.00005 and 0.00007; TOPMed 0.00005; gnomAD 0.00007 and 0.00008; ExAC 0.00008; ESP Exome Variant Server 0.00008.
gnomAD v4.1: 83 of 1,613,644 alleles (0.0051%); highest among the groups gnomAD compares: South Asian, 0.0066%; no homozygotes.

Submissions (5):

Ambry Genetics
Classification: Uncertain significance for Inborn genetic diseases. Last evaluated: 2025-04-25. Review status: criteria provided, single submitter. Criteria: Ambry Variant Classification Scheme 2023. Collection method: clinical testing. Allele origin: germline.

Labcorp Genetics (formerly Invitae), Labcorp
Classification: Uncertain significance for T-cell immunodeficiency, congenital alopecia, and nail dystrophy. Last evaluated: 2025-01-08. Review status: criteria provided, single submitter. Criteria: Invitae Variant Classification Sherloc (09022015). Collection method: clinical testing. Allele origin: germline.
Comment: This sequence change replaces glutamic acid, which is acidic and polar, with lysine, which is basic and polar, at codon 159 of the FOXN1 protein (p.Glu159Lys). This variant is present in population databases (rs147463732, gnomAD 0.01%). This variant has not been reported in the literature in individuals affected with FOXN1-related conditions. ClinVar contains an entry for this variant (Variation ID: 1422192). Invitae Evidence Modeling of protein sequence and biophysical properties (such as structural, functional, and spatial information, amino acid conservation, physicochemical variation, residue mobility, and thermodynamic stability) indicates that this missense variant is not expected to disrupt FOXN1 protein function with a negative predictive value of 80%. In summary, the available evidence is currently insufficient to determine the role of this variant in disease. Therefore, it has been classified as a Variant of Uncertain Significance.

Blueprint Genetics
Classification: Uncertain significance. Last evaluated: 2024-10-31. Review status: criteria provided, single submitter. Criteria: ACMG Guidelines, 2015. Collection method: clinical testing. Allele origin: germline.

Department of Pathology and Laboratory Medicine, Sinai Health System
Classification: Uncertain significance for T-cell immunodeficiency, congenital alopecia, and nail dystrophy; T-cell lymphopenia, infantile, with or without nail dystrophy, autosomal dominant. Last evaluated: 2022-05-30. Review status: criteria provided, single submitter. Criteria: ACMG Guidelines, 2015. Collection method: research. Allele origin: germline.

Fulgent Genetics
Classification: Uncertain significance for T-cell immunodeficiency, congenital alopecia, and nail dystrophy; T-cell lymphopenia, infantile, with or without nail dystrophy, autosomal dominant. Last evaluated: 2021-12-12. Review status: criteria provided, single submitter. Criteria: ACMG Guidelines, 2015. Collection method: clinical testing. Allele origin: unknown.

NM_001369369.1(FOXN1):c.475G>A (p.Glu159Lys)

Gene: FOXN1 (forkhead box N1; plus strand). Cytogenetic location: 17q11.2.
Variant type: single nucleotide variant.
Coding change: c.475G>A on transcript NM_001369369.1 (MANE Select); coding-DNA position 475, G replaced by A.
Protein change: p.Glu159Lys; replaces glutamic acid 159 with lysine.
Molecular consequence: missense variant.
Genome position (GRCh38, 1-based): chr17:28,524,854, G>A. VCF-style: chr17-28524854-G-A. GRCh37 (hg19) VCF-style: chr17-26851872-G-A.
Other names: c.475G>A, p.Glu159Lys (NM_003593.3); short protein forms E159K.
Identifiers: ClinVar variation 1422192 (VCV001422192.10), dbSNP rs147463732, ClinGen allele CA8459238.